The following is an entry in ClinVar:

NM_004287.5(GOSR2):c.383C>A (p.Ser128Tyr)

Genes: GOSR2 (golgi SNAP receptor complex member 2; plus strand), LRRC37A2 (leucine rich repeat containing 37 member A2). Cytogenetic location: 17q21.32.
Variant type: single nucleotide variant.
Coding change: c.383C>A on transcript NM_004287.5 (MANE Select); coding-DNA position 383, C replaced by A.
Protein change: p.Ser128Tyr; replaces serine 128 with tyrosine.
Molecular consequence: missense variant. On other transcripts: non-coding transcript variant (1), intron variant (4).
Genome position (GRCh38, 1-based): chr17:46,935,075, C>A. VCF-style: chr17-46935075-C-A. GRCh37 (hg19) VCF-style: chr17-45012441-C-A.
Other names: c.383C>A, p.Ser128Tyr (NM_001012511.3, NM_001321133.2, NM_054022.4); c.380C>A, p.Ser127Tyr (NM_001353114.2); c.329C>A, p.Ser110Tyr (NM_001363851.2); c.282+2876C>A (NM_001321134.2); c.336+2876C>A (NM_001330252.2); c.333+2876C>A (NM_001353115.2, NM_001353116.2); short protein forms S127Y, S128Y, S110Y.
Identifiers: ClinVar variation 2085240 (VCV002085240.4), dbSNP rs140105943, ClinGen allele CA400018075.

ClinVar aggregate classification (germline): Uncertain significance (1 of 4 stars; one submission).

Conditions:
Progressive myoclonic epilepsy. Also called: Familial progressive myoclonic epilepsy; Myoclonus epilepsy; Progressive myoclonus epilepsy; Myoclonic Epilepsies, Progressive. Identifiers: Orphanet 308, Orphanet 98261, MedGen C0751778, MONDO:0020074.

Submission:

Labcorp Genetics (formerly Invitae), Labcorp
Classification: Uncertain significance for Progressive myoclonic epilepsy. Last evaluated: 2022-06-10. Review status: criteria provided, single submitter. Criteria: Invitae Variant Classification Sherloc (09022015). Collection method: clinical testing. Allele origin: germline.
Comment: In summary, the available evidence is currently insufficient to determine the role of this variant in disease. Therefore, it has been classified as a Variant of Uncertain Significance. Algorithms developed to predict the effect of missense changes on protein structure and function are either unavailable or do not agree on the potential impact of this missense change (SIFT: "Deleterious"; PolyPhen-2: "Possibly Damaging"; Align-GVGD: "Class C15"). This variant has not been reported in the literature in individuals affected with GOSR2-related conditions. This variant is not present in population databases (gnomAD no frequency). This sequence change replaces serine, which is neutral and polar, with tyrosine, which is neutral and polar, at codon 128 of the GOSR2 protein (p.Ser128Tyr).